The following is an entry in ClinVar:

ClinVar aggregate classification (germline): Uncertain significance. Review status: criteria provided, multiple submitters, no conflicts (2 of 4 stars). 3 submissions from 3 submitters: Uncertain significance (3). Last evaluated 2025-08-06.

Conditions:
Joubert syndrome. Also called: JOUBERT-BOLTSHAUSER SYNDROME; Familial aplasia of the vermis. Identifiers: Orphanet 475, MedGen C5979921, MONDO:0018772.
Meckel-Gruber syndrome. Also called: DYSENCEPHALIA SPLANCHNOCYSTICA; GRUBER SYNDROME; Dysencephalia splachnocystica. Identifiers: Orphanet 564, MedGen C0265215, MONDO:0018921.
Inborn genetic diseases. Identifiers: MedGen C0950123, MeSH D030342.
CC2D2A-related disorder. Also called: CC2D2A-related disorders; CC2D2A-related condition. Identifiers: MedGen CN239313.

Allele frequency attached by ClinVar (database versions not stated): TOPMed 0.00001; ExAC 0.00005; gnomAD 0.00001; gnomAD exomes 0.00001.
gnomAD v4.1: 9 of 1,547,044 alleles (0.00058%); highest among the groups gnomAD compares: South Asian, 0.011%; no homozygotes.

Submissions (3):

Ambry Genetics
Classification: Uncertain significance for Inborn genetic diseases. Last evaluated: 2025-08-06. Review status: criteria provided, single submitter. Criteria: Ambry Variant Classification Scheme 2023. Collection method: clinical testing. Allele origin: germline.

Labcorp Genetics (formerly Invitae), Labcorp
Classification: Uncertain significance for Joubert syndrome; Meckel-Gruber syndrome. Last evaluated: 2023-10-30. Review status: criteria provided, single submitter. Criteria: Invitae Variant Classification Sherloc (09022015). Collection method: clinical testing. Allele origin: germline.
Comment: This sequence change replaces arginine, which is basic and polar, with glutamine, which is neutral and polar, at codon 1255 of the CC2D2A protein (p.Arg1255Gln). This variant is present in population databases (rs748766572, gnomAD 0.02%). This variant has not been reported in the literature in individuals affected with CC2D2A-related conditions. Advanced modeling of protein sequence and biophysical properties (such as structural, functional, and spatial information, amino acid conservation, physicochemical variation, residue mobility, and thermodynamic stability) performed at Invitae indicates that this missense variant is not expected to disrupt CC2D2A protein function with a negative predictive value of 95%. In summary, the available evidence is currently insufficient to determine the role of this variant in disease. Therefore, it has been classified as a Variant of Uncertain Significance.

PreventionGenetics, part of Exact Sciences
Classification: Uncertain significance for CC2D2A-related condition. Last evaluated: 2022-08-18. Review status: criteria provided, single submitter. Criteria: ACMG Guidelines, 2015. Collection method: clinical testing. Allele origin: germline.
Comment: The CC2D2A c.3764G>A variant is predicted to result in the amino acid substitution p.Arg1255Gln. To our knowledge, this variant has not been reported in the literature. This variant is reported in 0.028% of alleles in individuals of South Asian descent in gnomAD. At this time, the clinical significance of this variant is uncertain due to the absence of conclusive functional and genetic evidence.

NM_001378615.1(CC2D2A):c.3764G>A (p.Arg1255Gln)

Genes: CC2D2A (coiled-coil and C2 domain containing 2A; plus strand), FBXL5 (F-box and leucine rich repeat protein 5; minus strand). Cytogenetic location: 4p15.32.
Variant type: single nucleotide variant.
Coding change: c.3764G>A on transcript NM_001378615.1 (MANE Select); coding-DNA position 3764, G replaced by A.
Protein change: p.Arg1255Gln; replaces arginine 1255 with glutamine.
Molecular consequence: missense variant.
Genome position (GRCh38, 1-based): chr4:15,574,319, G>A. VCF-style: chr4-15574319-G-A. GRCh37 (hg19) VCF-style: chr4-15575942-G-A.
Other names: c.3764G>A, p.Arg1255Gln (NM_001080522.2); c.3617G>A, p.Arg1206Gln (NM_001378617.1); short protein forms R1206Q, R1255Q.
Identifiers: ClinVar variation 2631935 (VCV002631935.3), dbSNP rs748766572, ClinGen allele CA2864226.
Genomic context (GRCh38, chr4:15,574,319, plus strand): 5'-GCTCCTACATTACCCTCTTTATTACCATTGAGCCCCAGCTGGTTCCTGGAGAGTCCATTC[G>A]AGAAAAGGTAACTACTTATAGTTTGGAAACCCATGTCTATGTTGATAAAACACAAGAAAT-3'
Protein context (NP_001365544.1, residues 1245-1265): EPQLVPGESI[Arg1255Gln]EKFESQEDEK